The following is an entry in ClinVar:

NM_025099.6(CTC1):c.248G>C (p.Ser83Thr)

Gene: CTC1 (CST telomere replication complex component 1; minus strand). Cytogenetic location: 17p13.1.
Variant type: single nucleotide variant.
Coding change: c.248G>C on transcript NM_025099.6 (MANE Select); coding-DNA position 248, G replaced by C.
Protein change: p.Ser83Thr; replaces serine 83 with threonine.
Molecular consequence: missense variant. On other transcripts: non-coding transcript variant (1).
Genome position (GRCh38, 1-based): chr17:8,238,579, C>G on the plus strand (G>C on the coding strand, the complement: CTC1 is on the minus strand). VCF-style: chr17-8238579-C-G. GRCh37 (hg19) VCF-style: chr17-8141897-C-G.
Other names: p.Ser83Thr; short protein forms S83T.
Identifiers: ClinVar variation 210795 (VCV000210795.65), dbSNP rs78870822, ClinGen allele CA208842.

ClinVar aggregate classification (germline): Benign/Likely benign. Review status: criteria provided, multiple submitters, no conflicts (2 of 4 stars). 17 submissions from 17 submitters: Benign (10); Likely benign (4). 3 of the submissions do not count toward it. Last evaluated 2026-07-01.

Conditions:
Cerebroretinal microangiopathy with calcifications and cysts 1 (CRMCC1). Identifiers: Orphanet 313838, MedGen C4552029, MONDO:0024564, OMIM 612199.
Dyskeratosis congenita. Identifiers: Orphanet 1775, MedGen C0265965, MONDO:0015780.

Allele frequency attached by ClinVar (database versions not stated): 1000 Genomes Project 30x 0.00312; 1000 Genomes Project 0.00319; TOPMed 0.00499; ESP Exome Variant Server 0.00638.
gnomAD v4.1: 12,431 of 1,613,822 alleles (0.77%); highest among the groups gnomAD compares: Non-Finnish European, 0.78%; 92 homozygotes.

Submissions (17):

CeGaT Center for Human Genetics Tuebingen
Classification: Likely benign. Last evaluated: 2026-07-01. Review status: criteria provided, single submitter. Criteria: CeGaT Center For Human Genetics Tuebingen Variant Classification Criteria Version 2. Collection method: clinical testing. Allele origin: germline. Affected: yes. Observed: 45 variant alleles.
Comment: CTC1: BS2

Labcorp Genetics (formerly Invitae), Labcorp
Classification: Benign for Dyskeratosis congenita. Last evaluated: 2026-02-01. Review status: criteria provided, single submitter. Criteria: Invitae Variant Classification Sherloc (09022015). Collection method: clinical testing. Allele origin: germline.

Mayo Clinic Laboratories, Mayo Clinic
Classification: Benign. Last evaluated: 2025-07-30. Review status: criteria provided, single submitter. Criteria: ACMG Guidelines, 2015. Collection method: clinical testing. Allele origin: germline. Observed: 12 variant alleles.
Comment: BS1, BS2

ARUP Laboratories, Molecular Genetics and Genomics, ARUP Laboratories
Classification: Benign for Cerebroretinal microangiopathy with calcifications and cysts 1. Last evaluated: 2025-01-28. Review status: criteria provided, single submitter. Criteria: ARUP Molecular Germline Variant Investigation Process 2024. Collection method: clinical testing. Allele origin: germline.

Blueprint Genetics
Classification: Likely benign. Last evaluated: 2024-11-26. Review status: criteria provided, single submitter. Criteria: ACMG Guidelines, 2015. Collection method: clinical testing. Allele origin: germline.

Women's Health and Genetics/Laboratory Corporation of America, LabCorp
Classification: Benign. Last evaluated: 2022-05-20. Review status: criteria provided, single submitter. Criteria: LabCorp Variant Classification Summary - May 2015. Collection method: clinical testing. Allele origin: germline.
Comment: Variant summary: CTC1 c.248G>C (p.Ser83Thr) results in a conservative amino acid change in the encoded protein sequence. Four of five in-silico tools predict a damaging effect of the variant on protein function. The variant allele was found at a frequency of 0.0087 in 248724 control chromosomes, including 25 homozygotes (gnomAD). The variant occurs predominantly at a frequency of 0.01 within the Non-Finnish European subpopulation in the gnomAD database, including 6 homozygotes. The observed variant frequency within Non-Finnish European control individuals in the gnomAD database is approximately 9 fold of the estimated maximal expected allele frequency for a pathogenic variant in CTC1 causing Cerebroretinal Microangiopathy With Calcifications And Cysts 1 phenotype (0.0011), strongly suggesting that the variant is a benign polymorphism found primarily in populations of Non-Finnish European origin. To our knowledge, no occurrence of c.248G>C in individuals affected with Cerebroretinal Microangiopathy With Calcifications And Cysts 1 and no experimental evidence demonstrating its impact on protein function have been reported. Six ClinVar submitters have assessed the variant since 2014: one classified the variant as likely benign and five as benign. Based on the evidence outlined above, the variant was classified as benign.

Genome-Nilou Lab
Classification: Benign for Cerebroretinal microangiopathy with calcifications and cysts 1. Last evaluated: 2021-07-15. Review status: criteria provided, single submitter. Criteria: ACMG Guidelines, 2015. Collection method: clinical testing. Allele origin: germline. Affected: no.

Fulgent Genetics
Classification: Benign for Cerebroretinal microangiopathy with calcifications and cysts 1. Last evaluated: 2021-07-12. Review status: criteria provided, single submitter. Criteria: ACMG Guidelines, 2015. Collection method: clinical testing. Allele origin: unknown.

GeneDx
Classification: Benign. Last evaluated: 2020-11-11. Review status: criteria provided, single submitter. Criteria: GeneDx Variant Classification Process June 2021. Collection method: clinical testing. Allele origin: germline. Affected: yes.
Comment: This variant is associated with the following publications: (PMID: 26344056)

Sema4
Classification: Benign for Dyskeratosis congenita. Last evaluated: 2020-02-24. Review status: criteria provided, single submitter. Criteria: Sema4 Curation Guidelines. Collection method: curation. Allele origin: germline.

Illumina Laboratory Services, Illumina
Classification: Benign for Dyskeratosis congenita. Last evaluated: 2018-01-12. Review status: criteria provided, single submitter. Criteria: ICSL Variant Classification Criteria 13 December 2019. Collection method: clinical testing. Allele origin: germline.
Comment: This variant was observed in the ICSL laboratory as part of a predisposition screen in an ostensibly healthy population. It had not been previously curated by ICSL or reported in the Human Gene Mutation Database (HGMD: prior to June 1st, 2018), and was therefore a candidate for classification through an automated scoring system. Utilizing variant allele frequency, disease prevalence and penetrance estimates, and inheritance mode, an automated score was calculated to assess if this variant is too frequent to cause the disease. Based on the score and internal cut-off values, a variant classified as benign is not then subjected to further curation. The score for this variant resulted in a classification of benign for this disease.

Center for Pediatric Genomic Medicine, Children's Mercy Hospital and Clinics
Classification: Likely benign. Last evaluated: 2017-07-28. Review status: criteria provided, single submitter. Criteria: ACMG Guidelines, 2015. Collection method: clinical testing. Allele origin: germline.

Genetic Services Laboratory, University of Chicago
Classification: Benign. Last evaluated: 2015-09-19. Review status: criteria provided, single submitter. Criteria: ACMG Guidelines, 2015. Collection method: clinical testing. Allele origin: germline. Affected: no.

Breakthrough Genomics
Classification: Likely benign. Review status: criteria provided, single submitter. Criteria: ACMG Guidelines, 2015. Collection method: not provided. Allele origin: germline. Inheritance: Autosomal recessive inheritance. Affected: yes.

Diagnostic Laboratory, Department of Genetics, University Medical Center Groningen
Classification: Likely benign. Review status: no assertion criteria provided. Collection method: clinical testing. Allele origin: germline. Affected: yes. Study: VKGL Data-share Consensus. Not counted in ClinVar's aggregate classification.

Joint Genome Diagnostic Labs from Nijmegen and Maastricht, Radboudumc and MUMC+
Classification: Benign. Review status: no assertion criteria provided. Collection method: clinical testing. Allele origin: germline. Affected: yes. Study: VKGL Data-share Consensus. Not counted in ClinVar's aggregate classification.

Laboratory of Diagnostic Genome Analysis, Leiden University Medical Center (LUMC)
Classification: Likely benign. Review status: no assertion criteria provided. Collection method: clinical testing. Allele origin: germline. Affected: yes. Study: VKGL Data-share Consensus. Not counted in ClinVar's aggregate classification.

Literature cited by the submitters: PubMed 26344056 (cited by Mayo Clinic Laboratories, Mayo Clinic).